The following is an entry in ClinVar:

NM_058216.3(RAD51C):c.296_297delinsCT (p.Phe99Ser)

Gene: RAD51C (RAD51 paralog C; plus strand). Cytogenetic location: 17q22.
Variant type: Indel.
Coding change: c.296_297delinsCT on transcript NM_058216.3 (MANE Select); coding-DNA positions 296 to 297, TC replaced by CT.
Protein change: p.Phe99Ser; replaces phenylalanine 99 with serine.
Molecular consequence: missense variant. On other transcripts: non-coding transcript variant (2).
Genome position (GRCh38, 1-based): chr17:58,695,081-58,695,082, TC replaced by CT. VCF-style: chr17-58695081-TC-CT. GRCh37 (hg19) VCF-style: chr17-56772442-TC-CT.
Other names: c.296_297delinsCT, p.Phe99Ser (NM_002876.4); short protein forms F99S.
Identifiers: ClinVar variation 484734 (VCV000484734.15), dbSNP rs1555593696, ClinGen allele CA658658638.

ClinVar aggregate classification (germline): Uncertain significance. Review status: criteria provided, multiple submitters, no conflicts (2 of 4 stars). 3 submissions from 3 submitters: Uncertain significance (3). Last evaluated 2025-01-06.

Conditions:
Fanconi anemia complementation group O. Also called: RAD51C-Related Fanconi Anemia. Identifiers: Orphanet 84, MedGen C3150653, MONDO:0013248, OMIM 613390.
Hereditary cancer-predisposing syndrome. Also called: Hereditary neoplastic syndrome; Neoplastic Syndromes, Hereditary; Tumor predisposition; Hereditary Cancer Syndrome. Identifiers: Orphanet 140162, MedGen C0027672, MeSH D009386, MONDO:0015356.

Submissions (3):

Color Diagnostics, LLC DBA Color Health
Classification: Uncertain significance for Hereditary cancer-predisposing syndrome. Last evaluated: 2025-01-06. Review status: criteria provided, single submitter. Criteria: ACMG Guidelines, 2015. Collection method: clinical testing. Allele origin: germline.
Comment: This missense variant replaces phenylalanine with serine at codon 99 of the RAD51C protein. To our knowledge, functional studies have not been reported for this variant. This variant has not been reported in individuals affected with RAD51C-related disorders in the literature. This variant has not been identified in the general population by the Genome Aggregation Database (gnomAD). The available evidence is insufficient to determine the role of this variant in disease conclusively. Therefore, this variant is classified as a Variant of Uncertain Significance.

Ambry Genetics
Classification: Uncertain significance for Hereditary cancer-predisposing syndrome. Last evaluated: 2024-10-09. Review status: criteria provided, single submitter. Criteria: Ambry Variant Classification Scheme 2023. Collection method: clinical testing. Allele origin: germline.
Comment: The c.296_297delTCinsCT variant (also known as p.F99S), located in coding exon 2 of the RAD51C gene, results from an in-frame deletion of TC and insertion of CT at nucleotide positions 296 to 297. This results in the substitution of the phenylalanine residue for a serine residue at codon 99, an amino acid with highly dissimilar properties. This amino acid position is well conserved in available vertebrate species; however, serine is the reference amino acid in other vertebrate species. In addition, this alteration is predicted to be neutral by in silico analysis (Choi Y et al. PLoS ONE. 2012; 7(10):e46688). Based on the available evidence, the clinical significance of this variant remains unclear.

Labcorp Genetics (formerly Invitae), Labcorp
Classification: Uncertain significance for Fanconi anemia complementation group O. Last evaluated: 2024-06-23. Review status: criteria provided, single submitter. Criteria: Invitae Variant Classification Sherloc (09022015). Collection method: clinical testing. Allele origin: germline.
Comment: This sequence change replaces phenylalanine, which is neutral and non-polar, with serine, which is neutral and polar, at codon 99 of the RAD51C protein (p.Phe99Ser). Information on the frequency of this variant in the gnomAD database is not available, as this variant may be reported differently in the database. This variant has not been reported in the literature in individuals affected with RAD51C-related conditions. ClinVar contains an entry for this variant (Variation ID: 484734). An algorithm developed to predict the effect of missense changes on protein structure and function (PolyPhen-2) suggests that this variant is likely to be tolerated. In summary, the available evidence is currently insufficient to determine the role of this variant in disease. Therefore, it has been classified as a Variant of Uncertain Significance.